The following is an entry in ClinVar:

NM_017831.4(RNF125):c.406G>A (p.Ala136Thr)

Gene: RNF125 (ring finger protein 125; plus strand). Cytogenetic location: 18q12.1.
Variant type: single nucleotide variant.
Coding change: c.406G>A on transcript NM_017831.4 (MANE Select); coding-DNA position 406, G replaced by A.
Protein change: p.Ala136Thr; replaces alanine 136 with threonine.
Molecular consequence: missense variant.
Genome position (GRCh38, 1-based): chr18:32,042,266, G>A. VCF-style: chr18-32042266-G-A. GRCh37 (hg19) VCF-style: chr18-29622229-G-A.
Other names: c.406G>A, p.Ala136Thr (NM_001436860.1, NM_001436861.1); short protein forms A136T.
Identifiers: ClinVar variation 4281548 (VCV004281548.7).
Genomic context (GRCh38, chr18:32,042,266, plus strand): 5'-ATTCGGACTTGTCAGAAGTACATAGATAAGTATGGACCACTACAAGAACTTGAGGAGACA[G>A]CAGCAAGGTTTGTTTCAATACAATATAGTTTAATGCTAAAATTGATAATGTTTATAAAGA-3'
Protein context (NP_060301.2, residues 126-146): YGPLQELEET[Ala136Thr]ARCVCPFCQR

ClinVar aggregate classification (germline): Uncertain significance (1 of 4 stars; one submission).

gnomAD v4.1: 1 of 1,605,768 alleles (0.000062%); no homozygotes.

Submission:

CeGaT Center for Human Genetics Tuebingen
Classification: Uncertain significance. Last evaluated: 2025-09-01. Review status: criteria provided, single submitter. Criteria: CeGaT Center For Human Genetics Tuebingen Variant Classification Criteria Version 2. Collection method: clinical testing. Allele origin: germline. Affected: yes. Observed: 1 variant allele.
Comment: RNF125: PM2, BP4